The following is an entry in ClinVar:

NM_004564.3(GATB):c.1145A>G (p.Glu382Gly)

Gene: GATB (glutamyl-tRNA amidotransferase subunit B; minus strand). Cytogenetic location: 4q31.3.
Variant type: single nucleotide variant.
Coding change: c.1145A>G on transcript NM_004564.3 (MANE Select); coding-DNA position 1145, A replaced by G.
Protein change: p.Glu382Gly; replaces glutamic acid 382 with glycine.
Molecular consequence: missense variant.
Genome position (GRCh38, 1-based): chr4:151,701,381, T>C on the plus strand (A>G on the coding strand, the complement: GATB is on the minus strand). VCF-style: chr4-151701381-T-C. GRCh37 (hg19) VCF-style: chr4-152622533-T-C.
Other names: c.1145A>G, p.Glu382Gly (NM_001363341.2); short protein forms E382G.
Identifiers: ClinVar variation 711416 (VCV000711416.5), dbSNP rs148150389, ClinGen allele CA3105689.

ClinVar aggregate classification (germline): Benign. Review status: criteria provided, single submitter (1 of 4 stars). 2 submissions from 2 submitters: Benign (1). 1 of the submissions does not count toward it. Last evaluated 2018-02-26.

Conditions:
GATB-related disorder. Also called: GATB-related condition.

Allele frequency attached by ClinVar (database versions not stated): gnomAD exomes 0.00022 and 0.00073; ExAC 0.00089; gnomAD 0.00245 and 0.00261; ESP Exome Variant Server 0.00277; TOPMed 0.00280; 1000 Genomes Project 0.00300; 1000 Genomes Project 30x 0.00328.
gnomAD v4.1: 704 of 1,598,702 alleles (0.044%); highest among the groups gnomAD compares: African/African-American, 0.8%; no homozygotes.

Submissions (2):

Labcorp Genetics (formerly Invitae), Labcorp
Classification: Benign. Last evaluated: 2018-02-26. Review status: criteria provided, single submitter. Criteria: Invitae Variant Classification Sherloc (09022015). Collection method: clinical testing. Allele origin: germline.

PreventionGenetics, part of Exact Sciences
Classification: Benign for GATB-related condition. Last evaluated: 2019-11-25. Review status: no assertion criteria provided. Collection method: clinical testing. Allele origin: germline. Not counted in ClinVar's aggregate classification.
Comment: This variant is classified as benign based on ACMG/AMP sequence variant interpretation guidelines (Richards et al. 2015 PMID: 25741868, with internal and published modifications).